The following is an entry in ClinVar:

NM_000089.4(COL1A2):c.2837delG

Gene: COL1A2 (collagen type I alpha 2 chain; plus strand). Cytogenetic location: 7q21.3.
Variant type: Deletion.
Coding change: c.2837delG on transcript NM_000089.4 (MANE Select); coding-DNA position 2837, one base deleted (G).
Molecular consequence: splice acceptor variant.
Genome position (GRCh38, 1-based): chr7:94,425,751, G deleted; the last of 3 consecutive G bases (chr7:94,425,749-94,425,751); deleting any one gives the same sequence. VCF-style (leftmost placement, unchanged base first): chr7-94425748-AG-A. GRCh37 (hg19) VCF-style: chr7-94055060-AG-A.
Identifiers: ClinVar variation 4525891 (VCV004525891.1).
Genomic context (GRCh38, chr7:94,425,748, plus strand): 5'-TAATTCAAAAGTGATTAAAATGCAACCCAGATTGATGCTAAGCTTCATTTTGCCTTTGGT[AG>A]GGAGAGCGCGGTTACCCTGGCAATATTGGTCCCGTTGGTGCTGCAGGTGCACCTGGTCCT-3'

ClinVar aggregate classification (germline): Pathogenic (1 of 4 stars; one submission).

Conditions:
Ehlers-Danlos syndrome, cardiac valvular type. Identifiers: Orphanet 230851, MedGen C4303789, MONDO:0009159, OMIM 225320.

Submission:

Women's Health and Genetics/Laboratory Corporation of America, LabCorp
Classification: Pathogenic for Ehlers-Danlos syndrome, cardiac valvular type. Last evaluated: 2025-07-15. Review status: criteria provided, single submitter. Criteria: LabCorp Variant Classification Summary - May 2015. Collection method: clinical testing. Allele origin: germline.
Comment: Variant summary: COL1A2 c.2837delG (p.Gly946GlufsX77) results in a premature termination codon, predicted to cause a truncation of the encoded protein or absence of the protein due to nonsense mediated decay, which are commonly known mechanisms for disease. The variant was absent in 249500 control chromosomes. To our knowledge, no occurrence of c.2837delG in individuals affected with Ehlers-Danlos syndrome, cardiac valvular type and no experimental evidence demonstrating its impact on protein function have been reported. No submitters have cited clinical-significance assessments for this variant to ClinVar. Based on the evidence outlined above, the variant was classified as pathogenic.